The following is an entry in ClinVar:

NM_002838.5(PTPRC):c.659-3C>T

Gene: PTPRC (protein tyrosine phosphatase receptor type C; plus strand). Cytogenetic location: 1q32.1.
Variant type: single nucleotide variant.
Coding change: c.659-3C>T on transcript NM_002838.5 (MANE Select); 3 bases into the intron before coding-DNA position 659, C replaced by T.
Molecular consequence: intron variant.
Genome position (GRCh38, 1-based): chr1:198,704,469, C>T. VCF-style: chr1-198704469-C-T. GRCh37 (hg19) VCF-style: chr1-198673598-C-T.
Other names: c.176-3C>T (NM_080921.4).
Identifiers: ClinVar variation 653345 (VCV000653345.9), dbSNP rs1402688012, ClinGen allele CA729892368.

ClinVar aggregate classification (germline): Uncertain significance (1 of 4 stars; one submission).

Conditions:
Immunodeficiency 104. Also called: Severe combined immunodeficiency, autosomal recessive, T cell-negative, B cell-positive, NK cell-positive; SCID, AUTOSOMAL RECESSIVE, T CELL-NEGATIVE, B CELL-POSITIVE, NK CELL-POSITIVE; Severe Combined Immune Deficiency, Autosomal Recessive, TCell -Negative, B Cell-Positive, NK Cell-Positive, IL7R-Related; IMMUNODEFICIENCY 104, SEVERE COMBINED. Identifiers: MedGen C5676890, MONDO:0012163, OMIM 608971.

Allele frequency attached by ClinVar (database versions not stated): TOPMed below 0.00001.
gnomAD v4.1: 3 of 1,613,932 alleles (0.00019%); highest among the groups gnomAD compares: Non-Finnish European, 0.00025%; no homozygotes.

Submission:

Labcorp Genetics (formerly Invitae), Labcorp
Classification: Uncertain significance for Immunodeficiency 104. Last evaluated: 2022-07-05. Review status: criteria provided, single submitter. Criteria: Invitae Variant Classification Sherloc (09022015). Collection method: clinical testing. Allele origin: germline.
Comment: In summary, the available evidence is currently insufficient to determine the role of this variant in disease. Therefore, it has been classified as a Variant of Uncertain Significance. Variants that disrupt the consensus splice site are a relatively common cause of aberrant splicing (PMID: 17576681, 9536098). Algorithms developed to predict the effect of sequence changes on RNA splicing suggest that this variant is not likely to affect RNA splicing. ClinVar contains an entry for this variant (Variation ID: 653345). This variant has not been reported in the literature in individuals affected with PTPRC-related conditions. This variant is not present in population databases (gnomAD no frequency). This sequence change falls in intron 7 of the PTPRC gene. It does not directly change the encoded amino acid sequence of the PTPRC protein. It affects a nucleotide within the consensus splice site.

Literature cited by the submitters: PubMed 17576681; PubMed 9536098.